The following is an entry in ClinVar:

NM_001421.4(ELF4):c.694A>G (p.Thr232Ala)

Gene: ELF4 (E74 like ETS transcription factor 4; minus strand). Cytogenetic location: Xq26.1.
Variant type: single nucleotide variant.
Coding change: c.694A>G on transcript NM_001421.4 (MANE Select); coding-DNA position 694, A replaced by G.
Protein change: p.Thr232Ala; replaces threonine 232 with alanine.
Molecular consequence: missense variant.
Genome position (GRCh38, 1-based): chrX:130,071,155, T>C on the plus strand (A>G on the coding strand, the complement: ELF4 is on the minus strand). VCF-style: chrX-130071155-T-C. GRCh37 (hg19) VCF-style: chrX-129205130-T-C.
Other names: c.694A>G, p.Thr232Ala (NM_001127197.2, NM_001440765.1, NM_001440766.1); short protein forms T232A.
Identifiers: ClinVar variation 5018998 (VCV005018998.2).

ClinVar aggregate classification (germline): Uncertain significance (1 of 4 stars; one submission).

Conditions:
Autoinflammatory syndrome, familial, X-linked, Behcet-like 2. Also called: DEFICIENCY IN ELF4, X-LINKED. Identifiers: Orphanet 676125, MedGen C5575495, MONDO:0024770, OMIM 301074.

Submission:

Juno Genomics, Hangzhou Juno Genomics, Inc
Classification: Uncertain significance for Autoinflammatory syndrome, familial, X-linked, Behcet-like 2. Review status: criteria provided, single submitter. Criteria: ACMG Guidelines, 2015. Collection method: clinical testing. Allele origin: germline.
Comment: Absent from controls (or at extremely low frequency if recessive) in Genome Aggregation Database.